The following is an entry in ClinVar:

NM_138694.4(PKHD1):c.5917C>T (p.Leu1973=)

Gene: PKHD1 (PKHD1 ciliary IPT domain containing fibrocystin/polyductin; minus strand). Cytogenetic location: 6p12.2.
Variant type: single nucleotide variant.
Coding change: c.5917C>T on transcript NM_138694.4 (MANE Select); coding-DNA position 5917, C replaced by T.
Protein change: p.Leu1973=; no amino-acid change (leucine 1973 retained).
Molecular consequence: synonymous variant.
Genome position (GRCh38, 1-based): chr6:51,934,314, G>A on the plus strand (C>T on the coding strand, the complement: PKHD1 is on the minus strand). VCF-style: chr6-51934314-G-A. GRCh37 (hg19) VCF-style: chr6-51799112-G-A.
Other names: c.5917C>T, p.Leu1973= (NM_170724.3); c.5917C>T (NM_138694.3).
Identifiers: ClinVar variation 1961742 (VCV001961742.7), dbSNP rs2537016250, ClinGen allele CA450416329.

ClinVar aggregate classification (germline): Likely benign. Review status: criteria provided, single submitter (1 of 4 stars). 2 submissions from 2 submitters: Likely benign (1). 1 of the submissions does not count toward it. Last evaluated 2022-01-23.

Conditions:
PKHD1-related disorder. Also called: PKHD1-related condition.
Autosomal recessive polycystic kidney disease (ARPKD). Also called: AR polycystic kidney disease. Identifiers: Orphanet 731, Orphanet 8378, MedGen C0085548, MeSH D017044, MONDO:0009889.

Submissions (2):

Labcorp Genetics (formerly Invitae), Labcorp
Classification: Likely benign for Autosomal recessive polycystic kidney disease. Last evaluated: 2022-01-23. Review status: criteria provided, single submitter. Criteria: Invitae Variant Classification Sherloc (09022015). Collection method: clinical testing. Allele origin: germline.

PreventionGenetics, part of Exact Sciences
Classification: Likely benign for PKHD1-related condition. Last evaluated: 2023-06-06. Review status: no assertion criteria provided. Collection method: clinical testing. Allele origin: germline. Not counted in ClinVar's aggregate classification.
Comment: This variant is classified as likely benign based on ACMG/AMP sequence variant interpretation guidelines (Richards et al. 2015 PMID: 25741868, with internal and published modifications).